The following is an entry in ClinVar:

NM_001267550.2(TTN):c.27743C>A (p.Thr9248Asn)

Gene: TTN (titin; minus strand). Cytogenetic location: 2q31.2.
Variant type: single nucleotide variant.
Coding change: c.27743C>A on transcript NM_001267550.2 (MANE Select); coding-DNA position 27743, C replaced by A.
Protein change: p.Thr9248Asn; replaces threonine 9248 with asparagine.
Molecular consequence: missense variant. On other transcripts: intron variant (3).
Genome position (GRCh38, 1-based): chr2:178,712,087, G>T on the plus strand (C>A on the coding strand, the complement: TTN is on the minus strand). VCF-style: chr2-178712087-G-T. GRCh37 (hg19) VCF-style: chr2-179576814-G-T.
Other names: c.24011C>A, p.Thr8004Asn (NM_133378.4); c.26792C>A, p.Thr8931Asn (NM_001256850.1); c.13282+25995C>A (NM_003319.4); c.13858+25995C>A (NM_133437.4); c.13657+25995C>A (NM_133432.3); short protein forms T9248N, T8004N, T8931N.
Identifiers: ClinVar variation 46798 (VCV000046798.33), dbSNP rs397517523, ClinGen allele CA139223.
Genomic context (GRCh38, chr2:178,712,087, plus strand): 5'-TCAACCTGGTTGAAAACCAGTGTAGCAACATTATTCCTAAAATGCATTTTGTAAGTCGTA[G>T]TGGGTCTCAATTTTGTATCTCCTTTATACCAGGATACCCCAATTTCAGGGGTTCCAGCAA-3'
Protein context (NP_001254479.2, residues 9238-9258): WYKGDTKLRP[Thr9248Asn]TTYKMHFRNN

ClinVar aggregate classification (germline): Conflicting classifications of pathogenicity. Review status: criteria provided, conflicting classifications (1 of 4 stars). 5 submissions from 5 submitters: Uncertain significance (4); Likely benign (1). Last evaluated 2025-10-24.

Conditions:
Cardiovascular phenotype. Identifiers: MedGen CN230736.
Dilated cardiomyopathy 1G (CMD1G). Identifiers: Orphanet 154, MedGen C1858763, MONDO:0011400, OMIM 604145.
Autosomal recessive limb-girdle muscular dystrophy type 2J (LGMDR10). Also called: Limb-girdle muscular dystrophy, type 2J; MUSCULAR DYSTROPHY, LIMB-GIRDLE, AUTOSOMAL RECESSIVE 10. Identifiers: Orphanet 140922, MedGen C1837342, MONDO:0012127, OMIM 608807.
Myopathy, myofibrillar, 9, with early respiratory failure (MFM9). Also called: Hereditary myopathy with early respiratory failure; Myopathy, distal, with early respiratory failure, autosomal dominant; EDSTROM MYOPATHY; MYOPATHY, PROXIMAL, WITH EARLY RESPIRATORY MUSCLE INVOLVEMENT. Identifiers: Orphanet 178464, Orphanet 34521, MedGen C1863599, MONDO:0011362, OMIM 603689.
Tibial muscular dystrophy (TMD). Also called: Udd Distal Myopathy – Tibial Muscular Dystrophy; Tibial muscular dystrophy, tardive; UDD MYOPATHY. Identifiers: Orphanet 609, MedGen C1838244, MONDO:0010870, OMIM 600334.
Early-onset myopathy with fatal cardiomyopathy (CMYO5). Also called: Salih Myopathy; CONGENITAL MYOPATHY 5 WITH CARDIOMYOPATHY. Identifiers: Orphanet 289377, MedGen C2673677, MONDO:0012714, OMIM 611705. Disease mechanism: loss of function.
Hypertrophic cardiomyopathy 9. Also called: Familial hypertrophic cardiomyopathy 9. Identifiers: MedGen C1861065, MONDO:0013412, OMIM 613765.

Allele frequency attached by ClinVar (database versions not stated): TOPMed below 0.00001; gnomAD 0.00001.
gnomAD v4.1: 11 of 1,613,808 alleles (0.00068%); highest among the groups gnomAD compares: East Asian, 0.0022%; no homozygotes.

Submissions (5):

Women's Health and Genetics/Laboratory Corporation of America, LabCorp
Classification: Uncertain significance. Last evaluated: 2025-10-24. Review status: criteria provided, single submitter. Criteria: LabCorp Variant Classification Summary - May 2015. Collection method: clinical testing. Allele origin: germline.
Comment: Variant summary: TTN c.24011C>A (p.Thr8004Asn) results in a non-conservative amino acid change in the encoded protein sequence. Algorithms developed to predict the effect of missense changes on protein structure and function are either unavailable or do not agree on the potential impact of this missense change. The variant was absent in 249010 control chromosomes. The available data on variant occurrences in the general population are insufficient to allow any conclusion about variant significance. c.24011C>A has been observed in individual(s) affected with Dilated Cardiomyopathy (example, Guelly_2021), without strong evidence for causality. These report(s) do not provide unequivocal conclusions about association of the variant with TTN-related conditions. To our knowledge, no experimental evidence demonstrating an impact on protein function has been reported. The following publication has been ascertained in the context of this evaluation (PMID: 33552729). ClinVar contains an entry for this variant (Variation ID: 46798). Based on the evidence outlined above, the variant was classified as uncertain significance.

CeGaT Center for Human Genetics Tuebingen
Classification: Likely benign. Last evaluated: 2023-08-01. Review status: criteria provided, single submitter. Criteria: CeGaT Center For Human Genetics Tuebingen Variant Classification Criteria Version 2. Collection method: clinical testing. Allele origin: germline. Affected: yes. Observed: 1 variant allele.
Comment: TTN: BP4

Fulgent Genetics
Classification: Uncertain significance for Tibial muscular dystrophy; Myopathy, myofibrillar, 9, with early respiratory failure; Dilated cardiomyopathy 1G; Autosomal recessive limb-girdle muscular dystrophy type 2J; Early-onset myopathy with fatal cardiomyopathy; Hypertrophic cardiomyopathy 9. Last evaluated: 2021-08-23. Review status: criteria provided, single submitter. Criteria: ACMG Guidelines, 2015. Collection method: clinical testing. Allele origin: unknown.

Ambry Genetics
Classification: Uncertain significance for Cardiovascular phenotype. Last evaluated: 2013-01-13. Review status: criteria provided, single submitter. Criteria: Ambry Autosomal Dominant and X-Linked criteria (10/2015). Collection method: clinical testing. Allele origin: germline. Observed: 1 variant allele.
Comment: There is insufficient or conflicting evidence for classification of this alteration.

Laboratory for Molecular Medicine, Mass General Brigham Personalized Medicine
Classification: Uncertain significance. Last evaluated: 2011-12-19. Review status: criteria provided, single submitter. Criteria: LMM Criteria. Collection method: clinical testing. Allele origin: germline. Observed: 1 variant allele.
Comment: Threonine (Thr) at position 8004 is moderately cons erved, which does not provide sufficient evidence to determine if a change would impact the protein. Computational predictions on the impact to the protein are mixed (AlignGVGD = benign, SIFT = pathogenic), though the accuracy of these tool s is unknown. Additional information is needed to fully assess the clinical sign ificance of the Thr8004Asn variant.

Literature cited by the submitters: PubMed 33552729 (cited by Women's Health and Genetics/Laboratory Corporation of America, LabCorp).